The following is an entry in ClinVar:

NM_016356.5(DCDC2):c.85T>C (p.Tyr29His)

Genes: DCDC2 (doublecortin domain containing 2; minus strand), KAAG1 (kidney associated DCDC2 antisense RNA 1; plus strand). Cytogenetic location: 6p22.3.
Variant type: single nucleotide variant.
Coding change: c.85T>C on transcript NM_016356.5 (MANE Select); coding-DNA position 85, T replaced by C.
Protein change: p.Tyr29His; replaces tyrosine 29 with histidine.
Molecular consequence: missense variant.
Genome position (GRCh38, 1-based): chr6:24,357,666, A>G on the plus strand (T>C on the coding strand, the complement: DCDC2 is on the minus strand). VCF-style: chr6-24357666-A-G. GRCh37 (hg19) VCF-style: chr6-24357894-A-G.
Other names: c.85T>C, p.Tyr29His (NM_001195610.2); short protein forms Y29H.
Identifiers: ClinVar variation 1518942 (VCV001518942.8), dbSNP rs748676214, ClinGen allele CA363279268.

ClinVar aggregate classification (germline): Uncertain significance (1 of 4 stars; one submission).

Conditions:
Isolated neonatal sclerosing cholangitis (NSC). Also called: Sclerosing cholangitis, neonatal. Identifiers: Orphanet 480556, MedGen C4479344, MONDO:0018816, OMIM 617394.
Autosomal recessive nonsyndromic hearing loss 66 (DFNB66). Also called: Deafness, autosomal recessive 66. Identifiers: Orphanet 90636, MedGen C1857750, MONDO:0012442, OMIM 610212.

gnomAD v4.1: 2 of 1,613,300 alleles (0.00012%); highest among the groups gnomAD compares: Non-Finnish European, 0.000085%; no homozygotes.

Submission:

Labcorp Genetics (formerly Invitae), Labcorp
Classification: Uncertain significance for Autosomal recessive nonsyndromic hearing loss 66; Isolated neonatal sclerosing cholangitis. Last evaluated: 2023-08-10. Review status: criteria provided, single submitter. Criteria: Invitae Variant Classification Sherloc (09022015). Collection method: clinical testing. Allele origin: germline.
Comment: In summary, the available evidence is currently insufficient to determine the role of this variant in disease. Therefore, it has been classified as a Variant of Uncertain Significance. Advanced modeling of protein sequence and biophysical properties (such as structural, functional, and spatial information, amino acid conservation, physicochemical variation, residue mobility, and thermodynamic stability) performed at Invitae indicates that this missense variant is not expected to disrupt DCDC2 protein function. ClinVar contains an entry for this variant (Variation ID: 1518942). This variant has not been reported in the literature in individuals affected with DCDC2-related conditions. This variant is not present in population databases (gnomAD no frequency). This sequence change replaces tyrosine, which is neutral and polar, with histidine, which is basic and polar, at codon 29 of the DCDC2 protein (p.Tyr29His).